The following is an entry in ClinVar:

NM_144687.4(NLRP12):c.908T>G (p.Phe303Cys)

Gene: NLRP12 (NLR family pyrin domain containing 12; minus strand). Cytogenetic location: 19q13.42.
Variant type: single nucleotide variant.
Coding change: c.908T>G on transcript NM_144687.4 (MANE Select); coding-DNA position 908, T replaced by G.
Protein change: p.Phe303Cys; replaces phenylalanine 303 with cysteine.
Molecular consequence: missense variant.
Genome position (GRCh38, 1-based): chr19:53,810,751, A>C on the plus strand (T>G on the coding strand, the complement: NLRP12 is on the minus strand). VCF-style: chr19-53810751-A-C. GRCh37 (hg19) VCF-style: chr19-54314005-A-C.
Other names: c.908T>G, p.Phe303Cys (NM_001277126.2, NM_001277129.1); short protein forms F303C.
Identifiers: ClinVar variation 3649528 (VCV003649528.2).

ClinVar aggregate classification (germline): Uncertain significance (1 of 4 stars; one submission).

Conditions:
Familial cold autoinflammatory syndrome 2 (FCAS2). Identifiers: Orphanet 247868, MedGen C2673198, MONDO:0012724, OMIM 611762.

Submission:

Labcorp Genetics (formerly Invitae), Labcorp
Classification: Uncertain significance for Familial cold autoinflammatory syndrome 2. Last evaluated: 2024-04-10. Review status: criteria provided, single submitter. Criteria: Invitae Variant Classification Sherloc (09022015). Collection method: clinical testing. Allele origin: germline.
Comment: This sequence change replaces phenylalanine, which is neutral and non-polar, with cysteine, which is neutral and slightly polar, at codon 303 of the NLRP12 protein (p.Phe303Cys). This variant is not present in population databases (gnomAD no frequency). This variant has not been reported in the literature in individuals affected with NLRP12-related conditions. Advanced modeling of protein sequence and biophysical properties (such as structural, functional, and spatial information, amino acid conservation, physicochemical variation, residue mobility, and thermodynamic stability) performed at Invitae indicates that this missense variant is not expected to disrupt NLRP12 protein function with a negative predictive value of 80%. In summary, the available evidence is currently insufficient to determine the role of this variant in disease. Therefore, it has been classified as a Variant of Uncertain Significance.